The following is an entry in ClinVar:

ClinVar aggregate classification (germline): Uncertain significance. Review status: criteria provided, multiple submitters, no conflicts (2 of 4 stars). 2 submissions from 2 submitters: Uncertain significance (2). Last evaluated 2024-03-31.

Conditions:
Long QT syndrome (LQTS). Identifiers: MedGen C0023976, MeSH D008133, MONDO:0002442. Disease mechanism: loss of function. Inheritance: Various modes of inheritance.

Allele frequency attached by ClinVar (database versions not stated): gnomAD exomes below 0.00001 and 0.00002; gnomAD 0.00001; TOPMed 0.00002; ExAC 0.00003; ESP Exome Variant Server 0.00008.
gnomAD v4.1: 6 of 1,608,656 alleles (0.00037%); highest among the groups gnomAD compares: Non-Finnish European, 0.00051%; no homozygotes.

Submissions (2):

Labcorp Genetics (formerly Invitae), Labcorp
Classification: Uncertain significance for Long QT syndrome. Last evaluated: 2024-03-31. Review status: criteria provided, single submitter. Criteria: Invitae Variant Classification Sherloc (09022015). Collection method: clinical testing. Allele origin: germline.
Comment: This sequence change replaces threonine, which is neutral and polar, with isoleucine, which is neutral and non-polar, at codon 790 of the ANK2 protein (p.Thr790Ile). This variant is present in population databases (rs141829855, gnomAD 0.004%). This variant has not been reported in the literature in individuals affected with ANK2-related conditions. ClinVar contains an entry for this variant (Variation ID: 1406070). Algorithms developed to predict the effect of missense changes on protein structure and function output the following: SIFT: "Not Available"; PolyPhen-2: "Benign"; Align-GVGD: "Not Available". The isoleucine amino acid residue is found in multiple mammalian species, which suggests that this missense change does not adversely affect protein function. In summary, the available evidence is currently insufficient to determine the role of this variant in disease. Therefore, it has been classified as a Variant of Uncertain Significance.

CeGaT Center for Human Genetics Tuebingen
Classification: Uncertain significance. Last evaluated: 2023-01-01. Review status: criteria provided, single submitter. Criteria: CeGaT Center For Human Genetics Tuebingen Variant Classification Criteria Version 2. Collection method: clinical testing. Allele origin: germline. Affected: yes. Observed: 1 variant allele.
Comment: ANK2: PM2

NM_001148.6(ANK2):c.2369C>T (p.Thr790Ile)

Gene: ANK2 (ankyrin 2; plus strand). Cytogenetic location: 4q26.
Variant type: single nucleotide variant.
Coding change: c.2369C>T on transcript NM_001148.6 (MANE Select); coding-DNA position 2369, C replaced by T.
Protein change: p.Thr790Ile; replaces threonine 790 with isoleucine.
Molecular consequence: missense variant.
Genome position (GRCh38, 1-based): chr4:113,292,507, C>T. VCF-style: chr4-113292507-C-T. GRCh37 (hg19) VCF-style: chr4-114213663-C-T.
Other names: c.2306C>T, p.Thr769Ile (NM_001127493.3, NM_001354239.2, NM_001354243.2 and 10 more transcripts); c.2369C>T, p.Thr790Ile (NM_001354225.2, NM_001354228.2, NM_001354232.2 and 6 more transcripts); c.2414C>T, p.Thr805Ile (NM_001354230.2, NM_001354231.2, NM_001354237.2 and 5 more transcripts); c.2183C>T, p.Thr728Ile (NM_001354260.2, NM_001386151.1, NM_001354271.2); c.2327C>T, p.Thr776Ile (NM_001354261.2, NM_001386147.1, NM_001386160.1); c.2282C>T, p.Thr761Ile (NM_001354264.2, NM_001354266.2, NM_001354267.2 and 10 more transcripts); c.2270C>T, p.Thr757Ile (NM_001354268.2, NM_001354245.2); c.2357C>T, p.Thr786Ile (NM_001386148.2, NM_001386186.2); and 8 more; short protein forms T662I, T786I, T728I, T757I, T769I, T776I, T778I, T790I.
Identifiers: ClinVar variation 1406070 (VCV001406070.29), dbSNP rs141829855, ClinGen allele CA3050527.